The following is an entry in ClinVar:

ClinVar aggregate classification (germline): Uncertain significance (1 of 4 stars; one submission).

gnomAD v4.1: 1 of 1,612,964 alleles (0.000062%); highest among the groups gnomAD compares: African/African-American, 0.0013%; no homozygotes.

Submission:

Labcorp Genetics (formerly Invitae), Labcorp
Classification: Uncertain significance. Last evaluated: 2025-12-20. Review status: criteria provided, single submitter. Criteria: Invitae Variant Classification Sherloc (09022015). Collection method: clinical testing. Allele origin: germline.
Comment: This sequence change replaces proline, which is neutral and non-polar, with leucine, which is neutral and non-polar, at codon 753 of the GGCX protein (p.Pro753Leu). This variant is not present in population databases (gnomAD no frequency). This variant has not been reported in the literature in individuals affected with GGCX-related conditions. An algorithm developed to predict the effect of missense changes on protein structure and function outputs the following: PolyPhen-2: "Benign". The leucine amino acid residue is found in multiple mammalian species, which suggests that this missense change does not adversely affect protein function. In summary, the available evidence is currently insufficient to determine the role of this variant in disease. Therefore, it has been classified as a Variant of Uncertain Significance.

NM_000821.7(GGCX):c.2258C>T (p.Pro753Leu)

Gene: GGCX (gamma-glutamyl carboxylase; minus strand). Cytogenetic location: 2p11.2.
Variant type: single nucleotide variant.
Coding change: c.2258C>T on transcript NM_000821.7 (MANE Select); coding-DNA position 2258, C replaced by T.
Protein change: p.Pro753Leu; replaces proline 753 with leucine.
Molecular consequence: missense variant.
Genome position (GRCh38, 1-based): chr2:85,549,953, G>A on the plus strand (C>T on the coding strand, the complement: GGCX is on the minus strand). VCF-style: chr2-85549953-G-A. GRCh37 (hg19) VCF-style: chr2-85777076-G-A.
Other names: c.2087C>T, p.Pro696Leu (NM_001142269.4); short protein forms P753L, P696L.
Identifiers: ClinVar variation 4773962 (VCV004773962.1).